The following is an entry in ClinVar:

NM_018136.5(ASPM):c.6790A>G (p.Ile2264Val)

Gene: ASPM (assembly factor for spindle microtubules; minus strand). Cytogenetic location: 1q31.3.
Variant type: single nucleotide variant.
Coding change: c.6790A>G on transcript NM_018136.5 (MANE Select); coding-DNA position 6790, A replaced by G.
Protein change: p.Ile2264Val; replaces isoleucine 2264 with valine.
Molecular consequence: missense variant. On other transcripts: intron variant (1).
Genome position (GRCh38, 1-based): chr1:197,102,461, T>C on the plus strand (A>G on the coding strand, the complement: ASPM is on the minus strand). VCF-style: chr1-197102461-T-C. GRCh37 (hg19) VCF-style: chr1-197071591-T-C.
Other names: c.4066-6297A>G (NM_001206846.2); short protein forms I2264V.
Identifiers: ClinVar variation 4774810 (VCV004774810.1).
Genomic context (GRCh38, chr1:197,102,461, plus strand): 5'-AGAGGAATCTTCTTCTCATCATTAGAGTTCTAAATCTCCTCTGAATGAGAGTTGCGGCTA[T>C]ATGCATCATTTTTAAATGTCTTCTAGCTTTCTTTCCCCTAAAAATAGCCTGAATGTATAT-3'
Protein context (NP_060606.3, residues 2254-2274): KARRHLKMMH[Ile2264Val]AATLIQRRFR

ClinVar aggregate classification (germline): Uncertain significance (1 of 4 stars; one submission).

Submission:

Labcorp Genetics (formerly Invitae), Labcorp
Classification: Uncertain significance. Last evaluated: 2025-11-27. Review status: criteria provided, single submitter. Criteria: Invitae Variant Classification Sherloc (09022015). Collection method: clinical testing. Allele origin: germline.
Comment: This sequence change replaces isoleucine, which is neutral and non-polar, with valine, which is neutral and non-polar, at codon 2264 of the ASPM protein (p.Ile2264Val). This variant is not present in population databases (gnomAD no frequency). This variant has not been reported in the literature in individuals affected with ASPM-related conditions. Invitae Evidence Modeling of protein sequence and biophysical properties (such as structural, functional, and spatial information, amino acid conservation, physicochemical variation, residue mobility, and thermodynamic stability) indicates that this missense variant is not expected to disrupt ASPM protein function with a negative predictive value of 80%. In summary, the available evidence is currently insufficient to determine the role of this variant in disease. Therefore, it has been classified as a Variant of Uncertain Significance.